The following is an entry in ClinVar:

ClinVar aggregate classification (germline): Uncertain significance. Review status: criteria provided, multiple submitters, no conflicts (2 of 4 stars). 4 submissions from 4 submitters: Uncertain significance (4). Last evaluated 2024-09-10.

Conditions:
Inborn genetic diseases. Identifiers: MedGen C0950123, MeSH D030342.
Developmental and epileptic encephalopathy, 23 (DEE23). Also called: Epileptic encephalopathy, early infantile, 23. Identifiers: Orphanet 411986, MedGen C4014492, MONDO:0014371, OMIM 615859.

Allele frequency attached by ClinVar (database versions not stated): gnomAD exomes 0.00003 and 0.00013; TOPMed 0.00004; gnomAD 0.00005 and 0.00006; ExAC 0.00006; ESP Exome Variant Server 0.00008.
gnomAD v4.1: 196 of 1,613,958 alleles (0.012%); highest among the groups gnomAD compares: Middle Eastern, 0.016%; 1 homozygote.

Submissions (4):

Blueprint Genetics
Classification: Uncertain significance. Last evaluated: 2024-09-10. Review status: criteria provided, single submitter. Criteria: ACMG Guidelines, 2015. Collection method: clinical testing. Allele origin: germline.

Genome-Nilou Lab
Classification: Uncertain significance for Developmental and epileptic encephalopathy, 23. Last evaluated: 2023-04-11. Review status: criteria provided, single submitter. Criteria: ACMG Guidelines, 2015. Collection method: clinical testing. Allele origin: germline. Affected: no.

Ambry Genetics
Classification: Uncertain significance for Inborn genetic diseases. Last evaluated: 2023-03-06. Review status: criteria provided, single submitter. Criteria: Ambry Variant Classification Scheme 2023. Collection method: clinical testing. Allele origin: germline.

Labcorp Genetics (formerly Invitae), Labcorp
Classification: Uncertain significance for Developmental and epileptic encephalopathy, 23. Last evaluated: 2022-03-22. Review status: criteria provided, single submitter. Criteria: Invitae Variant Classification Sherloc (09022015). Collection method: clinical testing. Allele origin: germline.
Comment: This sequence change replaces lysine, which is basic and polar, with glutamic acid, which is acidic and polar, at codon 2042 of the DOCK7 protein (p.Lys2042Glu). This variant is present in population databases (rs374052758, gnomAD 0.01%). This variant has not been reported in the literature in individuals affected with DOCK7-related conditions. Algorithms developed to predict the effect of missense changes on protein structure and function (SIFT, PolyPhen-2, Align-GVGD) all suggest that this variant is likely to be tolerated. In summary, the available evidence is currently insufficient to determine the role of this variant in disease. Therefore, it has been classified as a Variant of Uncertain Significance.

NM_001367561.1(DOCK7):c.6157A>G (p.Lys2053Glu)

Gene: DOCK7 (dedicator of cytokinesis 7; minus strand). Cytogenetic location: 1p31.3.
Variant type: single nucleotide variant.
Coding change: c.6157A>G on transcript NM_001367561.1 (MANE Select); coding-DNA position 6157, A replaced by G.
Protein change: p.Lys2053Glu; replaces lysine 2053 with glutamic acid.
Molecular consequence: missense variant.
Genome position (GRCh38, 1-based): chr1:62,474,037, T>C on the plus strand (A>G on the coding strand, the complement: DOCK7 is on the minus strand). VCF-style: chr1-62474037-T-C. GRCh37 (hg19) VCF-style: chr1-62939708-T-C.
Other names: c.6124A>G, p.Lys2042Glu (NM_001271999.2); c.6037A>G, p.Lys2013Glu (NM_001272000.2); c.6031A>G, p.Lys2011Glu (NM_001272001.2); c.6130A>G, p.Lys2044Glu (NM_001330614.2); c.6064A>G, p.Lys2022Glu (NM_033407.4); c.6064A>G (NM_033407.2); short protein forms K2013E, K2042E, K2053E, K2022E, K2044E, K2011E.
Identifiers: ClinVar variation 1389645 (VCV001389645.6), dbSNP rs374052758, ClinGen allele CA885278.
Genomic context (GRCh38, chr1:62,474,037, plus strand): 5'-AATACCTTTTAGTAAAATCTTTAAAGCAGAGTCGCAGTTTATTATGATGTCTGAAGAGCT[T>C]TGGGTCACTAGGTATTTCAGACAGAAAAACCTGGGCAACTTCCAAAGGCCCCTGCAAAAT-3'
Protein context (NP_001354490.1, residues 2043-2063): VFLSEIPSDP[Lys2053Glu]LFRHHNKLRL